The following is an entry in ClinVar:

NM_003105.6(SORL1):c.201G>T (p.Arg67Ser)

Genes: SORL1 (sortilin related receptor 1; plus strand), SORL1-AS1 (SORL1 antisense RNA 1; minus strand). Cytogenetic location: 11q24.1.
Variant type: single nucleotide variant.
Coding change: c.201G>T on transcript NM_003105.6 (MANE Select); coding-DNA position 201, G replaced by T.
Protein change: p.Arg67Ser; replaces arginine 67 with serine.
Molecular consequence: missense variant.
Genome position (GRCh38, 1-based): chr11:121,452,532, G>T. VCF-style: chr11-121452532-G-T. GRCh37 (hg19) VCF-style: chr11-121323241-G-T.
Other names: short protein forms R67S.
Identifiers: ClinVar variation 2895067 (VCV002895067.3), dbSNP rs556756459, ClinGen allele CA6328295.

ClinVar aggregate classification (germline): Uncertain significance (1 of 4 stars; one submission).

gnomAD v4.1: 33 of 1,488,208 alleles (0.0022%); highest among the groups gnomAD compares: Non-Finnish European, 0.0028%; no homozygotes.

Submission:

Labcorp Genetics (formerly Invitae), Labcorp
Classification: Uncertain significance. Last evaluated: 2024-01-20. Review status: criteria provided, single submitter. Criteria: Invitae Variant Classification Sherloc (09022015). Collection method: clinical testing. Allele origin: germline.
Comment: This sequence change replaces arginine, which is basic and polar, with serine, which is neutral and polar, at codon 67 of the SORL1 protein (p.Arg67Ser). The frequency data for this variant in the population databases is considered unreliable, as metrics indicate poor data quality at this position in the gnomAD database. This missense change has been observed in individual(s) with Alzheimer disease (PMID: 33879716). Algorithms developed to predict the effect of missense changes on protein structure and function output the following: SIFT: "Not Available"; PolyPhen-2: "Benign"; Align-GVGD: "Not Available". The serine amino acid residue is found in multiple mammalian species, which suggests that this missense change does not adversely affect protein function. In summary, the available evidence is currently insufficient to determine the role of this variant in disease. Therefore, it has been classified as a Variant of Uncertain Significance.

Literature cited by the submitters: PubMed 33879716.